The following is an entry in ClinVar:

ClinVar aggregate classification (germline): Uncertain significance. Review status: criteria provided, multiple submitters, no conflicts (2 of 4 stars). 4 submissions from 4 submitters: Uncertain significance (3). 1 of the submissions does not count toward it. Last evaluated 2024-10-24.

Conditions:
MBOAT7-related disorder. Also called: MBOAT7-related condition.
Inborn genetic diseases. Identifiers: MedGen C0950123, MeSH D030342.

Allele frequency attached by ClinVar (database versions not stated): ExAC 0.00003; gnomAD 0.00030; 1000 Genomes Project 30x 0.00031; TOPMed 0.00031; 1000 Genomes Project 0.00040.
gnomAD v4.1: 87 of 1,613,378 alleles (0.0054%); highest among the groups gnomAD compares: African/African-American, 0.085%; no homozygotes.

Submissions (4):

GeneDx
Classification: Uncertain significance. Last evaluated: 2024-10-24. Review status: criteria provided, single submitter. Criteria: GeneDx Variant Classification Process June 2021. Collection method: clinical testing. Allele origin: germline. Affected: yes.
Comment: In silico analysis indicates that this missense variant does not alter protein structure/function; Has not been previously published as pathogenic or benign to our knowledge

Ambry Genetics
Classification: Uncertain significance for Inborn genetic diseases. Last evaluated: 2023-07-30. Review status: criteria provided, single submitter. Criteria: Ambry Variant Classification Scheme 2023. Collection method: clinical testing. Allele origin: germline.

Blueprint Genetics
Classification: Uncertain significance. Last evaluated: 2020-12-12. Review status: criteria provided, single submitter. Criteria: ACMG Guidelines, 2015. Collection method: clinical testing. Allele origin: germline.

PreventionGenetics, part of Exact Sciences
Classification: Uncertain significance for MBOAT7-related condition. Last evaluated: 2023-10-30. Review status: no assertion criteria provided. Collection method: clinical testing. Allele origin: germline. Not counted in ClinVar's aggregate classification.
Comment: The MBOAT7 c.1006G>A variant is predicted to result in the amino acid substitution p.Ala336Thr. To our knowledge, this variant has not been reported in the literature. This variant is reported in 0.085% of alleles in individuals of African descent in gnomAD. At this time, the clinical significance of this variant is uncertain due to the absence of conclusive functional and genetic evidence.

NM_024298.5(MBOAT7):c.1006G>A (p.Ala336Thr)

Gene: MBOAT7 (membrane bound acylglycerophosphatidylinositol O-acyltransferase MBOAT7; minus strand). Cytogenetic location: 19q13.42.
Variant type: single nucleotide variant.
Coding change: c.1006G>A on transcript NM_024298.5 (MANE Select); coding-DNA position 1006, G replaced by A.
Protein change: p.Ala336Thr; replaces alanine 336 with threonine.
Molecular consequence: missense variant.
Genome position (GRCh38, 1-based): chr19:54,178,790, C>T on the plus strand (G>A on the coding strand, the complement: MBOAT7 is on the minus strand). VCF-style: chr19-54178790-C-T. GRCh37 (hg19) VCF-style: chr19-54682507-C-T.
Other names: c.1006G>A (NM_024298.4); c.787G>A, p.Ala263Thr (NM_001146056.3, NM_001146083.3); c.1006G>A, p.Ala336Thr (NM_001146082.3); short protein forms A263T, A336T.
Identifiers: ClinVar variation 2594731 (VCV002594731.6), dbSNP rs202020450, ClinGen allele CA309346240.
Genomic context (GRCh38, chr19:54,178,790, plus strand): 5'-TGCAGTGTCACCTGAGACTGGGCGGGCTCACTCACCGCAGGACATAGGAACGGGCAGGTG[C>T]GCTCTTGTAGATATACTGCGCCAGCCACCACTGCACCGTCATGTTCCAGTACCGCATGCC-3'
Protein context (NP_077274.3, residues 326-346): WWLAQYIYKS[Ala336Thr]PARSYVLRSA